The following is an entry in ClinVar:

ClinVar aggregate classification (germline): Uncertain significance (1 of 4 stars; one submission).

Submission:

GeneDx
Classification: Uncertain significance. Last evaluated: 2023-11-10. Review status: criteria provided, single submitter. Criteria: GeneDx Variant Classification Process June 2021. Collection method: clinical testing. Allele origin: germline. Affected: yes.
Comment: Not observed at significant frequency in large population cohorts (gnomAD); In silico analysis supports that this missense variant has a deleterious effect on protein structure/function; In silico analysis supports a deleterious effect on splicing; Has not been previously published as pathogenic or benign to our knowledge

NM_001394372.1(BICRA):c.3595G>T (p.Asp1199Tyr)

Genes: BICRA (BRD4 interacting chromatin remodeling complex associated protein; plus strand), LOC121627883 (Sharpr-MPRA regulatory region 9389; plus strand). Cytogenetic location: 19q13.33.
Variant type: single nucleotide variant.
Coding change: c.3595G>T on transcript NM_001394372.1 (MANE Select); coding-DNA position 3595, G replaced by T.
Protein change: p.Asp1199Tyr; replaces aspartic acid 1199 with tyrosine.
Molecular consequence: missense variant.
Genome position (GRCh38, 1-based): chr19:47,699,405, G>T. VCF-style: chr19-47699405-G-T. GRCh37 (hg19) VCF-style: chr19-48202662-G-T.
Other names: c.3595G>T, p.Asp1199Tyr (NM_015711.3); short protein forms D1199Y.
Identifiers: ClinVar variation 3363971 (VCV003363971.1).